The following is an entry in ClinVar:

ClinVar aggregate classification (germline): Conflicting classifications of pathogenicity. Review status: criteria provided, conflicting classifications (1 of 4 stars). 2 submissions from 2 submitters: Uncertain significance (1); Likely benign (1). Last evaluated 2024-04-22.

Conditions:
Hereditary cancer-predisposing syndrome. Also called: Neoplastic Syndromes, Hereditary; Hereditary Cancer Syndrome; Hereditary neoplastic syndrome; Tumor predisposition. Identifiers: Orphanet 140162, MedGen C0027672, MeSH D009386, MONDO:0015356.
Ataxia-telangiectasia syndrome (AT). Also called: ATAXIA-TELANGIECTASIA, COMPLEMENTATION GROUP A; ATAXIA-TELANGIECTASIA, FRESNO VARIANT; Ataxia-telangiectasia, complementation group E; Ataxia telangiectasia (A-T); LOUIS-BAR SYNDROME; Cerebello-oculocutaneous telangiectasia. Identifiers: Orphanet 100, MedGen C0004135, MONDO:0008840, OMIM 208900.

Submissions (2):

Labcorp Genetics (formerly Invitae), Labcorp
Classification: Uncertain significance for Ataxia-telangiectasia syndrome. Last evaluated: 2024-04-22. Review status: criteria provided, single submitter. Criteria: Invitae Variant Classification Sherloc (09022015). Collection method: clinical testing. Allele origin: germline.
Comment: This sequence change falls in intron 35 of the ATM gene. It does not directly change the encoded amino acid sequence of the ATM protein. It affects a nucleotide within the consensus splice site. This variant is not present in population databases (gnomAD no frequency). This variant has not been reported in the literature in individuals affected with ATM-related conditions. ClinVar contains an entry for this variant (Variation ID: 825644). Variants that disrupt the consensus splice site are a relatively common cause of aberrant splicing (PMID: 17576681, 9536098). Algorithms developed to predict the effect of sequence changes on RNA splicing suggest that this variant is not likely to affect RNA splicing. In summary, the available evidence is currently insufficient to determine the role of this variant in disease. Therefore, it has been classified as a Variant of Uncertain Significance.

Ambry Genetics
Classification: Likely benign for Hereditary cancer-predisposing syndrome. Last evaluated: 2020-01-07. Review status: criteria provided, single submitter. Criteria: Ambry Variant Classification Scheme 2023. Collection method: clinical testing. Allele origin: germline.

Literature cited by the submitters: PubMed 17576681 (cited by Labcorp Genetics (formerly Invitae), Labcorp); PubMed 9536098 (cited by Labcorp Genetics (formerly Invitae), Labcorp).

NM_000051.4(ATM):c.5319+4T>A

Gene: ATM (ATM serine/threonine kinase; plus strand). Cytogenetic location: 11q22.3.
Variant type: single nucleotide variant.
Coding change: c.5319+4T>A on transcript NM_000051.4 (MANE Select); 4 bases into the intron after coding-DNA position 5319, T replaced by A.
Molecular consequence: intron variant.
Genome position (GRCh38, 1-based): chr11:108,301,793, T>A. VCF-style: chr11-108301793-T-A. GRCh37 (hg19) VCF-style: chr11-108172520-T-A.
Other names: c.5319+4T>A (NM_001351834.2).
Identifiers: ClinVar variation 825644 (VCV000825644.14), dbSNP rs1170957197, ClinGen allele CA915947628.